The following is an entry in ClinVar:

NM_001039141.3(TRIOBP):c.6762G>C (p.Glu2254Asp)

Gene: TRIOBP (TRIO and F-actin binding protein; plus strand). Cytogenetic location: 22q13.1.
Variant type: single nucleotide variant.
Coding change: c.6762G>C on transcript NM_001039141.3 (MANE Select); coding-DNA position 6762, G replaced by C.
Protein change: p.Glu2254Asp; replaces glutamic acid 2254 with aspartic acid.
Molecular consequence: missense variant.
Genome position (GRCh38, 1-based): chr22:37,769,288, G>C. VCF-style: chr22-37769288-G-C. GRCh37 (hg19) VCF-style: chr22-38165295-G-C.
Other names: c.1623G>C, p.Glu541Asp (NM_007032.5); short protein forms E2254D, E541D.
Identifiers: ClinVar variation 4082668 (VCV004082668.1).

ClinVar aggregate classification (germline): Uncertain significance (1 of 4 stars; one submission).

Submission:

GeneDx
Classification: Uncertain significance. Last evaluated: 2025-03-04. Review status: criteria provided, single submitter. Criteria: GeneDx Variant Classification Process June 2021. Collection method: clinical testing. Allele origin: germline. Affected: yes.
Comment: Not observed at significant frequency in large population cohorts (gnomAD); In silico analysis indicates that this missense variant does not alter protein structure/function; Has not been previously published as pathogenic or benign to our knowledge